The following is an entry in ClinVar:

NM_014967.5(FAN1):c.2337+131G>A

Genes: FAN1 (FANCD2 and FANCI associated nuclease 1; plus strand), MTMR10 (myotubularin related protein 10; minus strand). Cytogenetic location: 15q13.3.
Variant type: single nucleotide variant.
Coding change: c.2337+131G>A on transcript NM_014967.5 (MANE Select); 131 bases into the intron after coding-DNA position 2337, G replaced by A.
Molecular consequence: intron variant.
Genome position (GRCh38, 1-based): chr15:30,925,422, G>A. VCF-style: chr15-30925422-G-A. GRCh37 (hg19) VCF-style: chr15-31217625-G-A.
Identifiers: ClinVar variation 4813966 (VCV004813966.1).

ClinVar aggregate classification (germline): Likely benign (1 of 4 stars; one submission).

gnomAD v4.1: 739 of 917,462 alleles (0.081%); highest among the groups gnomAD compares: African/African-American, 1.1%; 4 homozygotes.

Submission:

GeneDx
Classification: Likely benign. Last evaluated: 2021-12-14. Review status: criteria provided, single submitter. Criteria: GeneDx Variant Classification Process June 2021. Collection method: clinical testing. Allele origin: germline. Affected: yes.
Comment: See Variant Classification Assertion Criteria.